The following is an entry in ClinVar:

ClinVar aggregate classification (germline): Pathogenic (1 of 4 stars; one submission).

Conditions:
Neurofibromatosis, type 1 (NF1). Also called: VON RECKLINGHAUSEN DISEASE; NEUROFIBROMATOSIS, TYPE I, SOMATIC; Peripheral type neurofibromatosis; Neurofibromatosis, type I. Identifiers: Orphanet 636, MedGen C0027831, MONDO:0018975, OMIM 162200. Disease mechanism: loss of function.

Submission:

Labcorp Genetics (formerly Invitae), Labcorp
Classification: Pathogenic for Neurofibromatosis, type 1. Last evaluated: 2025-10-24. Review status: criteria provided, single submitter. Criteria: Invitae Variant Classification Sherloc (09022015). Collection method: clinical testing. Allele origin: germline.
Comment: This sequence change creates a premature translational stop signal (p.Pro2451Leufs*17) in the NF1 gene. It is expected to result in an absent or disrupted protein product. Loss-of-function variants in NF1 are known to be pathogenic (PMID: 10712197, 23913538). This variant is not present in population databases (gnomAD no frequency). This premature translational stop signal has been observed in individual(s) with clinical features of NF1-related conditions (PMID: 21520333). ClinVar contains an entry for this variant (Variation ID: 663189). For these reasons, this variant has been classified as Pathogenic.

Literature cited by the submitters: PubMed 10712197; PubMed 23913538; PubMed 21520333.

NM_001042492.3(NF1):c.7415del (p.Pro2472fs)

Gene: NF1 (neurofibromin 1; plus strand). Cytogenetic location: 17q11.2.
Variant type: Deletion.
Coding change: c.7415del on transcript NM_001042492.3 (MANE Select); coding-DNA position 7415, one base deleted (C; older notation c.7415delC).
Protein change: p.Pro2472fs; shifts the reading frame from proline 2472.
Molecular consequence: frameshift variant.
Genome position (GRCh38, 1-based): chr17:31,350,276, C deleted; the last of 2 consecutive C bases (chr17:31,350,275-31,350,276); deleting either gives the same sequence. VCF-style (leftmost placement, unchanged base first): chr17-31350274-TC-T. GRCh37 (hg19) VCF-style: chr17-29677292-TC-T.
Other names: c.7352delC (NM_000267.3); c.7352delC, p.Pro2451Leufs (NM_000267.4); short protein forms P2451fs, P2472fs.
Identifiers: ClinVar variation 663189 (VCV000663189.7), dbSNP rs1597859768, ClinGen allele CA915949849.
Genomic context (GRCh38, chr17:31,350,274, plus strand): 5'-TCGCTGCAGCCTAAAACATAGAAAGTCACTTCTTCTTACTGATATTTCAATGGAAAATGT[TC>T]CTATGGATACATATCCCATTCATCATGGTGACCCTTCCTATAGGTAAGTGGATTTACTCT-3'